The following is an entry in ClinVar:

ClinVar aggregate classification (germline): Uncertain significance. Review status: criteria provided, multiple submitters, no conflicts (2 of 4 stars). 2 submissions from 2 submitters: Uncertain significance (2). Last evaluated 2024-01-24.

Conditions:
Cardiomyopathy (CMYO). Also called: Cardiomyopathies. Identifiers: Orphanet 167848, MedGen C0878544, MONDO:0004994, HP:0001638. Inheritance: Various modes of inheritance.
Catecholaminergic polymorphic ventricular tachycardia 1. Also called: VENTRICULAR TACHYCARDIA, CATECHOLAMINERGIC POLYMORPHIC, 1, WITH OR WITHOUT ATRIAL DYSFUNCTION AND/OR DILATED CARDIOMYOPATHY; RYR2-Related Catecholaminergic Polymorphic Ventricular Tachycardia; VENTRICULAR TACHYCARDIA, STRESS-INDUCED POLYMORPHIC 1. Identifiers: Orphanet 3286, MedGen C1631597, MONDO:0011484, OMIM 604772.

Submissions (2):

Labcorp Genetics (formerly Invitae), Labcorp
Classification: Uncertain significance for Catecholaminergic polymorphic ventricular tachycardia 1. Last evaluated: 2024-01-24. Review status: criteria provided, single submitter. Criteria: Invitae Variant Classification Sherloc (09022015). Collection method: clinical testing. Allele origin: germline.
Comment: This sequence change falls in intron 9 of the RYR2 gene. It does not directly change the encoded amino acid sequence of the RYR2 protein. It affects a nucleotide within the consensus splice site. This variant is not present in population databases (gnomAD no frequency). This variant has not been reported in the literature in individuals affected with RYR2-related conditions. ClinVar contains an entry for this variant (Variation ID: 921062). Variants that disrupt the consensus splice site are a relatively common cause of aberrant splicing (PMID: 17576681, 9536098). Algorithms developed to predict the effect of sequence changes on RNA splicing suggest that this variant may disrupt the consensus splice site. In summary, the available evidence is currently insufficient to determine the role of this variant in disease. Therefore, it has been classified as a Variant of Uncertain Significance.

Color Diagnostics, LLC DBA Color Health
Classification: Uncertain significance for Cardiomyopathy. Last evaluated: 2019-06-19. Review status: criteria provided, single submitter. Criteria: ACMG Guidelines, 2015. Collection method: clinical testing. Allele origin: germline.
Comment: This variant is located in the intron 9 splice donor region of the RYR2 gene. Computational splicing tools are inconclusive regarding the impact of this variant on RNA splicing. To our knowledge, functional assays have not been performed for this variant nor has this variant been reported in individuals affected with cardiovascular disorders in the literature. This variant has not been identified in the general population by the Genome Aggregation Database (gnomAD). Available evidence is insufficient to determine the role of this variant in disease conclusively. Therefore, this variant is classified as a Variant of Uncertain Significance.

Literature cited by the submitters: PubMed 17576681 (cited by Labcorp Genetics (formerly Invitae), Labcorp); PubMed 9536098 (cited by Labcorp Genetics (formerly Invitae), Labcorp).

NM_001035.3(RYR2):c.676+3A>G

Gene: RYR2 (ryanodine receptor 2; plus strand). Cytogenetic location: 1q43.
Variant type: single nucleotide variant.
Coding change: c.676+3A>G on transcript NM_001035.3 (MANE Select); 3 bases into the intron after coding-DNA position 676, A replaced by G.
Molecular consequence: intron variant.
Genome position (GRCh38, 1-based): chr1:237,387,383, A>G. VCF-style: chr1-237387383-A-G. GRCh37 (hg19) VCF-style: chr1-237550683-A-G.
Identifiers: ClinVar variation 921062 (VCV000921062.12), dbSNP rs1702028230, ClinGen allele CA1139656674.